The following is an entry in ClinVar:

NM_001127671.2(LIFR):c.*988G>A

Gene: LIFR (LIF receptor subunit alpha; minus strand). Cytogenetic location: 5p13.1.
Variant type: single nucleotide variant.
Coding change: c.*988G>A on transcript NM_001127671.2 (MANE Select); 988 bases downstream of the stop codon, G replaced by A.
Molecular consequence: 3 prime UTR variant.
Genome position (GRCh38, 1-based): chr5:38,480,607, C>T on the plus strand (G>A on the coding strand, the complement: LIFR is on the minus strand). VCF-style: chr5-38480607-C-T. GRCh37 (hg19) VCF-style: chr5-38480709-C-T.
Other names: c.*988G>A (NM_001364297.2, NM_001364298.2, NM_002310.6).
Identifiers: ClinVar variation 353592 (VCV000353592.5), dbSNP rs3776425, ClinGen allele CA10620428.
Genomic context (GRCh38, chr5:38,480,607, plus strand): 5'-TGGGAGGAACATCCACCAGAAGGTGTCAAAGATCACCACTGCCTGGGTAGCCAAGCTCAA[C>T]GGCATGGTCTCCTCAGGAGGAACGAAATCCAATCAGAACTATATGGACAGCTAACGCTGC-3'

ClinVar aggregate classification (germline): Benign (1 of 4 stars; one submission).

Conditions:
Stuve-Wiedemann syndrome (STWS). Also called: Stüve-Wiedemann syndrome. Identifiers: Orphanet 3206, MedGen C0796176, MONDO:0031280.

Allele frequency attached by ClinVar (database versions not stated): gnomAD 0.01550 and 0.01852; TOPMed 0.02023; gnomAD exomes 0.04298; 1000 Genomes Project 30x 0.06199; 1000 Genomes Project 0.06589.
gnomAD v4.1: 5,572 of 220,250 alleles (2.5%); highest among the groups gnomAD compares: East Asian, 26%; 534 homozygotes.

Submission:

Illumina Laboratory Services, Illumina
Classification: Benign for Stüve-Wiedemann syndrome 1. Last evaluated: 2018-01-13. Review status: criteria provided, single submitter. Criteria: ICSL Variant Classification Criteria 13 December 2019. Collection method: clinical testing. Allele origin: germline.
Comment: This variant was observed in the ICSL laboratory as part of a predisposition screen in an ostensibly healthy population. It had not been previously curated by ICSL or reported in the Human Gene Mutation Database (HGMD: prior to June 1st, 2018), and was therefore a candidate for classification through an automated scoring system. Utilizing variant allele frequency, disease prevalence and penetrance estimates, and inheritance mode, an automated score was calculated to assess if this variant is too frequent to cause the disease. Based on the score and internal cut-off values, a variant classified as benign is not then subjected to further curation. The score for this variant resulted in a classification of benign for this disease.